The following is an entry in ClinVar:

ClinVar aggregate classification (germline): Conflicting classifications of pathogenicity. Review status: criteria provided, conflicting classifications (1 of 4 stars). 2 submissions from 2 submitters: Uncertain significance (1); Likely benign (1). Last evaluated 2025-11-01.

Conditions:
Inborn genetic diseases. Identifiers: MedGen C0950123, MeSH D030342.

Allele frequency attached by ClinVar (database versions not stated): gnomAD 0.00002; ExAC 0.00003; TOPMed 0.00004.

Submissions (2):

CeGaT Center for Human Genetics Tuebingen
Classification: Uncertain significance. Last evaluated: 2025-11-01. Review status: criteria provided, single submitter. Criteria: CeGaT Center For Human Genetics Tuebingen Variant Classification Criteria Version 2. Collection method: clinical testing. Allele origin: germline. Affected: yes. Observed: 1 variant allele.
Comment: KDM6B: PM2

Ambry Genetics
Classification: Likely benign for Inborn genetic diseases. Last evaluated: 2023-02-01. Review status: criteria provided, single submitter. Criteria: Ambry Variant Classification Scheme 2023. Collection method: clinical testing. Allele origin: germline.

NM_001348716.2(KDM6B):c.3377G>A (p.Arg1126Gln)

Gene: KDM6B (lysine demethylase 6B; plus strand). Cytogenetic location: 17p13.1.
Variant type: single nucleotide variant.
Coding change: c.3377G>A on transcript NM_001348716.2 (MANE Select); coding-DNA position 3377, G replaced by A.
Protein change: p.Arg1126Gln; replaces arginine 1126 with glutamine.
Molecular consequence: missense variant.
Genome position (GRCh38, 1-based): chr17:7,849,665, G>A. VCF-style: chr17-7849665-G-A. GRCh37 (hg19) VCF-style: chr17-7752983-G-A.
Other names: c.3377G>A, p.Arg1126Gln (NM_001080424.2); short protein forms R1126Q.
Identifiers: ClinVar variation 2466272 (VCV002466272.8), dbSNP rs752366374, ClinGen allele CA8361132.